The following is an entry in ClinVar:

ClinVar aggregate classification (germline): Likely benign. Review status: criteria provided, single submitter (1 of 4 stars). 2 submissions from 2 submitters: Likely benign (1). 1 of the submissions does not count toward it. Last evaluated 2024-10-03.

Conditions:
Frontotemporal dementia and/or amyotrophic lateral sclerosis 1 (FTDALS1). Also called: C9orf72 Frontotemporal Dementia and/or Amyotrophic Lateral Sclerosis; Frontotemporal dementia with motor neuron disease 1. Identifiers: Orphanet 275872, MedGen C5779877, MONDO:0007105, OMIM 105550.
Paget disease of bone 2, early-onset (PDB2). Also called: Paget disease of bone 2. Identifiers: MedGen C4085251, MONDO:0011183, OMIM 602080.
SQSTM1-related disorder. Also called: SQSTM1-Related Disorders.

Allele frequency attached by ClinVar (database versions not stated): gnomAD 0.00001; gnomAD exomes 0.00001; TOPMed 0.00001; ExAC 0.00003.
gnomAD v4.1: 14 of 1,613,900 alleles (0.00087%); highest among the groups gnomAD compares: East Asian, 0.025%; no homozygotes.

Submissions (2):

Labcorp Genetics (formerly Invitae), Labcorp
Classification: Likely benign for Paget disease of bone 2, early-onset; Frontotemporal dementia and/or amyotrophic lateral sclerosis 1. Last evaluated: 2024-10-03. Review status: criteria provided, single submitter. Criteria: Invitae Variant Classification Sherloc (09022015). Collection method: clinical testing. Allele origin: germline.

PreventionGenetics, part of Exact Sciences
Classification: Likely benign for SQSTM1-related condition. Last evaluated: 2024-09-25. Review status: no assertion criteria provided. Collection method: clinical testing. Allele origin: germline. Not counted in ClinVar's aggregate classification.
Comment: This variant is classified as likely benign based on ACMG/AMP sequence variant interpretation guidelines (Richards et al. 2015 PMID: 25741868, with internal and published modifications).

NM_003900.5(SQSTM1):c.465G>A (p.Glu155=)

Gene: SQSTM1 (sequestosome 1; plus strand). Cytogenetic location: 5q35.3.
Variant type: single nucleotide variant.
Coding change: c.465G>A on transcript NM_003900.5 (MANE Select); coding-DNA position 465, G replaced by A.
Protein change: p.Glu155=; no amino-acid change (glutamic acid 155 retained).
Molecular consequence: synonymous variant.
Genome position (GRCh38, 1-based): chr5:179,824,021, G>A. VCF-style: chr5-179824021-G-A. GRCh37 (hg19) VCF-style: chr5-179251021-G-A.
Other names: c.465G>A (NM_003900.4); c.213G>A, p.Glu71= (NM_001142298.2, NM_001142299.2).
Identifiers: ClinVar variation 2186777 (VCV002186777.5), dbSNP rs764632233, ClinGen allele CA3600515.